The following is an entry in ClinVar:

NM_000059.4(BRCA2):c.6995G>A (p.Cys2332Tyr)

Gene: BRCA2 (BRCA2 DNA repair associated; plus strand). Cytogenetic location: 13q13.1.
Variant type: single nucleotide variant.
Coding change: c.6995G>A on transcript NM_000059.4 (MANE Select); coding-DNA position 6995, G replaced by A.
Protein change: p.Cys2332Tyr; replaces cysteine 2332 with tyrosine.
Molecular consequence: missense variant.
Genome position (GRCh38, 1-based): chr13:32,346,884, G>A. VCF-style: chr13-32346884-G-A. GRCh37 (hg19) VCF-style: chr13-32921021-G-A.
Other names: short protein forms C2332Y.
Identifiers: ClinVar variation 185885 (VCV000185885.26), dbSNP rs786202536, ClinGen allele CA024677.

ClinVar aggregate classification (germline): Uncertain significance. Review status: criteria provided, multiple submitters, no conflicts (2 of 4 stars). 5 submissions from 5 submitters: Uncertain significance (5). Last evaluated 2025-05-21.

Conditions:
Hereditary cancer-predisposing syndrome. Also called: Hereditary neoplastic syndrome; Neoplastic Syndromes, Hereditary; Tumor predisposition; Hereditary Cancer Syndrome. Identifiers: Orphanet 140162, MedGen C0027672, MeSH D009386, MONDO:0015356.
Hereditary breast ovarian cancer syndrome. Also called: Hereditary breast and ovarian cancer syndrome (HBOC); Breast and ovarian cancer; Hereditary breast and/or ovarian cancer syndrome; BRCA1- and BRCA2-Associated Hereditary Breast and Ovarian Cancer; Hereditary breast and ovarian cancer syndrome; Hereditary breast and ovarian cancer. Identifiers: Orphanet 145, MedGen C0677776, MeSH D061325, MONDO:0003582. Disease mechanism: loss of function.
Familial cancer of breast. Also called: BREAST CANCER, FAMILIAL; Hereditary breast cancer; hereditary breast carcinoma. Identifiers: Orphanet 227535, MedGen C0346153, MONDO:0016419, OMIM 114480. Disease mechanism: loss of function.

Allele frequency attached by ClinVar (database versions not stated): TOPMed below 0.00001.

Submissions (5):

Labcorp Genetics (formerly Invitae), Labcorp
Classification: Uncertain significance for Hereditary breast ovarian cancer syndrome. Last evaluated: 2025-05-21. Review status: criteria provided, single submitter. Criteria: Invitae Variant Classification Sherloc (09022015). Collection method: clinical testing. Allele origin: germline.
Comment: This sequence change replaces cysteine, which is neutral and slightly polar, with tyrosine, which is neutral and polar, at codon 2332 of the BRCA2 protein (p.Cys2332Tyr). This variant is not present in population databases (gnomAD no frequency). This variant has not been reported in the literature in individuals affected with BRCA2-related conditions. ClinVar contains an entry for this variant (Variation ID: 185885). Invitae Evidence Modeling of protein sequence and biophysical properties (such as structural, functional, and spatial information, amino acid conservation, physicochemical variation, residue mobility, and thermodynamic stability) indicates that this missense variant is not expected to disrupt BRCA2 protein function with a negative predictive value of 95%. In summary, the available evidence is currently insufficient to determine the role of this variant in disease. Therefore, it has been classified as a Variant of Uncertain Significance.

Ambry Genetics
Classification: Uncertain significance for Hereditary cancer-predisposing syndrome. Last evaluated: 2024-12-29. Review status: criteria provided, single submitter. Criteria: Ambry Variant Classification Scheme 2023. Collection method: clinical testing. Allele origin: germline.
Comment: The p.C2332Y variant (also known as c.6995G>A), located in coding exon 12 of the BRCA2 gene, results from a G to A substitution at nucleotide position 6995. The cysteine at codon 2332 is replaced by tyrosine, an amino acid with highly dissimilar properties. This amino acid position is highly conserved in available vertebrate species. In addition, the in silico prediction for this alteration is inconclusive. Since supporting evidence is limited at this time, the clinical significance of this alteration remains unclear.

GeneDx
Classification: Uncertain significance. Last evaluated: 2024-08-16. Review status: criteria provided, single submitter. Criteria: GeneDx Variant Classification Process June 2021. Collection method: clinical testing. Allele origin: germline. Affected: yes.
Comment: Observed in individuals with a personal or family history of cancer undergoing multi-gene panel testing (PMID: 31853058); Not observed at significant frequency in large population cohorts (gnomAD); In silico analysis supports that this missense variant has a deleterious effect on protein structure/function; Also known as 7223G>A; This variant is associated with the following publications: (PMID: 29884841, 32377563, 31131967, 31853058)

Baylor Genetics
Classification: Uncertain significance for Familial cancer of breast. Last evaluated: 2023-08-15. Review status: criteria provided, single submitter. Criteria: ACMG Guidelines, 2015. Collection method: clinical testing. Allele origin: unknown.

Color Diagnostics, LLC DBA Color Health
Classification: Uncertain significance for Hereditary cancer-predisposing syndrome. Last evaluated: 2021-02-12. Review status: criteria provided, single submitter. Criteria: ACMG Guidelines, 2015. Collection method: clinical testing. Allele origin: germline.
Comment: This missense variant replaces cysteine with tyrosine at codon 2332 of the BRCA2 protein. Computational prediction is inconclusive regarding the impact of this variant on protein structure and function (internally defined REVEL score threshold 0.5 < inconclusive < 0.7, PMID: 27666373). To our knowledge, functional studies have not been reported for this variant. This variant has not been reported in individuals affected with hereditary cancer in the literature. This variant has not been identified in the general population by the Genome Aggregation Database (gnomAD). The available evidence is insufficient to determine the role of this variant in disease conclusively. Therefore, this variant is classified as a Variant of Uncertain Significance.